The following is an entry in ClinVar:

ClinVar aggregate classification (germline): Pathogenic (1 of 4 stars; one submission).

Conditions:
Spastic paraplegia. Identifiers: MedGen C0037772, HP:0001258.

Submission:

Labcorp Genetics (formerly Invitae), Labcorp
Classification: Pathogenic for Spastic paraplegia. Last evaluated: 2021-10-05. Review status: criteria provided, single submitter. Criteria: Invitae Variant Classification Sherloc (09022015). Collection method: clinical testing. Allele origin: germline.
Comment: For these reasons, this variant has been classified as Pathogenic. Retrotransposon insertions including LINE1 (L1), Alu, and SVA (SINE-VNTR-Alu) have been reported to disrupt protein function (PMID: 19763152, 20307669, 22406018). However the effect of this particular variant is unknown. This variant disrupts a region of the SACS protein in which other variant(s) (p.Asn4549Asp) have been determined to be pathogenic (PMID: 15156359, 21507954). This suggests that this is a clinically significant region of the protein, and that variants that disrupt it are likely to be disease-causing. Algorithms developed to predict the effect of sequence changes on RNA splicing suggest that this variant may create or strengthen a splice site. This variant has not been reported in the literature in individuals affected with SACS-related conditions. This variant is not present in population databases (ExAC no frequency). This sequence change inserts a large fragment of DNA, likely a transposable element, in exon 10 of the SACS gene (c.3005_3006ins?), causing a frameshift at codon 1003 (p.Phe1003fs). The exact size and sequence of the insertion cannot be determined by the current assay. However, the insertion is expected to result in an absent or disrupted protein product.

Literature cited by the submitters: PubMed 19763152; PubMed 20307669; PubMed 22406018; PubMed 15156359; PubMed 21507954.

NM_014363.6(SACS):c.3005_3006insGGCCGGGCGCGGTGGCTCACGCCTGTAATCCCAGCACTTTGGGAGGCCGAGGCGGGCGGATCACGAGGNNNNNNNNNNAAAAAAAAAAAAAAAAAAAAAAAAGATATTGAAAATGC (p.Ala1002_Phe1003insAlaGlyArgGlyGlySerArgLeuTer)

Gene: SACS (sacsin molecular chaperone; minus strand). Cytogenetic location: 13q12.12.
Variant type: Insertion.
Coding change: c.3005_3006insGGCCGGGCGCGGTGGCTCACGCCTGTAATCCCAGCACTTTGGGAGGCCGAGGCGGGCGGATCACGAGGNNNNNNNNNNAAAAAAAAAAAAAAAAAAAAAAAAGATATTGAAAATGC on transcript NM_014363.6 (MANE Select); coding-DNA positions 3005 to 3006, GGCCGGGCGCGGTGGCTCACGCCTGTAATCCCAGCACTTTGGGAGGCCGAGGCGGGCGGATCACGAGGNNNNNNNNNNAAAAAAAAAAAAAAAAAAAAAAAAGATATTGAAAATGC inserted.
Protein change: p.Ala1002_Phe1003insAlaGlyArgGlyGlySerArgLeuTer.
Molecular consequence: nonsense, inframe insertion.
Genome position: GRCh38: chr13:23,340,888-23,340,889. GRCh37 (hg19): chr13:23,915,027-23,915,028.
Other names: c.2564_2565insGGCCGGGCGCGGTGGCTCACGCCTGTAATCCCAGCACTTTGGGAGGCCGAGGCGGGCGGATCACGAGGNNNNNNNNNNAAAAAAAAAAAAAAAAAAAAAAAAGATATTGAAAATGC, p.Ala855_Phe856insAlaGlyArgGlyGlySerArgLeuTer (NM_001278055.2).
Identifiers: ClinVar variation 1423611 (VCV001423611.6), dbSNP rs2137639039.